The following is an entry in ClinVar:

ClinVar aggregate classification (germline): Uncertain significance (1 of 4 stars; one submission).

Submission:

Labcorp Genetics (formerly Invitae), Labcorp
Classification: Uncertain significance. Last evaluated: 2023-01-01. Review status: criteria provided, single submitter. Criteria: Invitae Variant Classification Sherloc (09022015). Collection method: clinical testing. Allele origin: germline.
Comment: This sequence change replaces valine, which is neutral and non-polar, with isoleucine, which is neutral and non-polar, at codon 202 of the EBP protein (p.Val202Ile). This variant is present in population databases (rs782779957, gnomAD 0.01%). This variant has not been reported in the literature in individuals affected with EBP-related conditions. Algorithms developed to predict the effect of missense changes on protein structure and function output the following: SIFT: "Tolerated"; PolyPhen-2: "Benign"; Align-GVGD: "Class C0". The isoleucine amino acid residue is found in multiple mammalian species, which suggests that this missense change does not adversely affect protein function. In summary, the available evidence is currently insufficient to determine the role of this variant in disease. Therefore, it has been classified as a Variant of Uncertain Significance.

NM_006579.3(EBP):c.604G>A (p.Val202Ile)

Gene: EBP (EBP cholestenol delta-isomerase; plus strand). Cytogenetic location: Xp11.23.
Variant type: single nucleotide variant.
Coding change: c.604G>A on transcript NM_006579.3 (MANE Select); coding-DNA position 604, G replaced by A.
Protein change: p.Val202Ile; replaces valine 202 with isoleucine.
Molecular consequence: missense variant.
Genome position (GRCh38, 1-based): chrX:48,528,368, G>A. VCF-style: chrX-48528368-G-A. GRCh37 (hg19) VCF-style: chrX-48386756-G-A.
Other names: short protein forms V202I.
Identifiers: ClinVar variation 2090359 (VCV002090359.4), dbSNP rs782779957, ClinGen allele CA10403061.